The following is an entry in ClinVar:

ClinVar aggregate classification (germline): Uncertain significance. Review status: criteria provided, single submitter (1 of 4 stars). 3 submissions from 3 submitters: Uncertain significance (1). 2 of the submissions do not count toward it. Last evaluated 2025-03-03.

Conditions:
DCTN1-related disorder. Also called: DCTN1-related condition.
Amyotrophic lateral sclerosis type 1 (ALS1). Also called: AMYOTROPHIC LATERAL SCLEROSIS 1, FAMILIAL. Identifiers: Orphanet 803, MedGen C1862939, MONDO:0007103, OMIM 105400.
Perry syndrome. Also called: PARKINSONISM WITH ALVEOLAR HYPOVENTILATION AND MENTAL DEPRESSION. Identifiers: Orphanet 178509, MedGen C1868594, MONDO:0008201, OMIM 168605.
Neuronopathy, distal hereditary motor, type 7B. Also called: Distal Hereditary Motor Neuronopathy Type 7B (dHMN7B); NEURONOPATHY, DISTAL HEREDITARY MOTOR, AUTOSOMAL DOMINANT 14; NEURONOPATHY, DISTAL HEREDITARY MOTOR, HARDING TYPE VIIB; NEUROPATHY, DISTAL HEREDITARY MOTOR, HARDING TYPE VIIB; NEUROPATHY, DISTAL HEREDITARY MOTOR, WITH VOCAL CORD PARALYSIS, HARDING TYPE VIIB; HMN VIIB. Identifiers: Orphanet 139589, MedGen C1843315, MONDO:0011879, OMIM 607641.

Allele frequency attached by ClinVar (database versions not stated): TOPMed 0.00001; gnomAD 0.00002; ExAC 0.00004; gnomAD exomes 0.00006.
gnomAD v4.1: 82 of 1,576,108 alleles (0.0052%); highest among the groups gnomAD compares: Non-Finnish European, 0.0069%; no homozygotes.

Submissions (3):

Labcorp Genetics (formerly Invitae), Labcorp
Classification: Uncertain significance for Amyotrophic lateral sclerosis type 1; Neuronopathy, distal hereditary motor, type 7B; Perry syndrome. Last evaluated: 2025-03-03. Review status: criteria provided, single submitter. Criteria: Invitae Variant Classification Sherloc (09022015). Collection method: clinical testing. Allele origin: germline.
Comment: This sequence change replaces proline, which is neutral and non-polar, with leucine, which is neutral and non-polar, at codon 211 of the DCTN1 protein (p.Pro211Leu). The frequency data for this variant in the population databases is considered unreliable, as metrics indicate poor data quality at this position in the gnomAD database. This missense change has been observed in individual(s) with amyotrophic lateral sclerosis (ALS) (PMID: 25299611). ClinVar contains an entry for this variant (Variation ID: 847069). Invitae Evidence Modeling of protein sequence and biophysical properties (such as structural, functional, and spatial information, amino acid conservation, physicochemical variation, residue mobility, and thermodynamic stability) indicates that this missense variant is not expected to disrupt DCTN1 protein function with a negative predictive value of 95%. In summary, the available evidence is currently insufficient to determine the role of this variant in disease. Therefore, it has been classified as a Variant of Uncertain Significance.

PreventionGenetics, part of Exact Sciences
Classification: Uncertain significance for DCTN1-related condition. Last evaluated: 2024-07-12. Review status: no assertion criteria provided. Collection method: clinical testing. Allele origin: germline. Not counted in ClinVar's aggregate classification.
Comment: The DCTN1 c.632C>T variant is predicted to result in the amino acid substitution p.Pro211Leu. In the literature, this variant is reported via an alternate transcript NM_001135041 as c.230C>T (p.Pro77Leu). This variant has been reported in an individual with amyotrophic lateral sclerosis (ALS) (Tables S2 and S7,Couthouis et al. 2014. PubMed ID: 25299611). This variant is reported in 0.0042% of alleles in individuals of European (Non-Finnish) descent in gnomAD. At this time, the clinical significance of this variant is uncertain due to the absence of conclusive functional and genetic evidence.

Inherited Neuropathy Consortium Ii, University Of Miami
Classification: Uncertain significance for Perry syndrome. Last evaluated: 2016-01-06. Review status: no assertion criteria provided. Collection method: literature only. Allele origin: germline. Affected: yes. Not counted in ClinVar's aggregate classification.

Literature cited by the submitters: PubMed 25299611 (cited by Labcorp Genetics (formerly Invitae), Labcorp and Inherited Neuropathy Consortium Ii, University Of Miami).

NM_004082.5(DCTN1):c.632C>T (p.Pro211Leu)

Gene: DCTN1 (dynactin subunit 1; minus strand). Cytogenetic location: 2p13.1.
Variant type: single nucleotide variant.
Coding change: c.632C>T on transcript NM_004082.5 (MANE Select); coding-DNA position 632, C replaced by T.
Protein change: p.Pro211Leu; replaces proline 211 with leucine.
Molecular consequence: missense variant. On other transcripts: non-coding transcript variant (1).
Genome position (GRCh38, 1-based): chr2:74,371,550, G>A on the plus strand (C>T on the coding strand, the complement: DCTN1 is on the minus strand). VCF-style: chr2-74371550-G-A. GRCh37 (hg19) VCF-style: chr2-74598677-G-A.
Other names: c.572C>T, p.Pro191Leu (NM_001135040.3); c.230C>T, p.Pro77Leu (NM_001135041.3, NM_023019.4); c.521C>T, p.Pro174Leu (NM_001190836.2); c.611C>T, p.Pro204Leu (NM_001190837.2); c.581C>T, p.Pro194Leu (NM_001378991.1); c.563C>T, p.Pro188Leu (NM_001378992.1); short protein forms P174L, P204L, P211L, P77L, P191L, P194L, P188L.
Identifiers: ClinVar variation 847069 (VCV000847069.12), dbSNP rs763427780, ClinGen allele CA1722361.